The following is an entry in ClinVar:

NM_080860.4(RSPH1):c.674C>T (p.Pro225Leu)

Gene: RSPH1 (radial spoke head component 1; minus strand). Cytogenetic location: 21q22.3.
Variant type: single nucleotide variant.
Coding change: c.674C>T on transcript NM_080860.4 (MANE Select); coding-DNA position 674, C replaced by T.
Protein change: p.Pro225Leu; replaces proline 225 with leucine.
Molecular consequence: missense variant.
Genome position (GRCh38, 1-based): chr21:42,477,344, G>A on the plus strand (C>T on the coding strand, the complement: RSPH1 is on the minus strand). VCF-style: chr21-42477344-G-A. GRCh37 (hg19) VCF-style: chr21-43897454-G-A.
Other names: c.560C>T, p.Pro187Leu (NM_001286506.2); c.674C>T (NM_080860.2); short protein forms P225L, P187L.
Identifiers: ClinVar variation 454945 (VCV000454945.8), dbSNP rs201100138, ClinGen allele CA10043839.

ClinVar aggregate classification (germline): Uncertain significance. Review status: criteria provided, multiple submitters, no conflicts (2 of 4 stars). 3 submissions from 3 submitters: Uncertain significance (3). Last evaluated 2025-05-28.

Conditions:
Inborn genetic diseases. Identifiers: MedGen C0950123, MeSH D030342.
Primary ciliary dyskinesia. Also called: Ciliary dyskinesia. Identifiers: Orphanet 244, MedGen C0008780, MONDO:0016575, HP:0012265.

Allele frequency attached by ClinVar (database versions not stated): gnomAD 0.00003 and 0.00004; gnomAD exomes 0.00004 and 0.00006; ExAC 0.00007; TOPMed 0.00008; 1000 Genomes Project 30x 0.00016; 1000 Genomes Project 0.00020.
gnomAD v4.1: 93 of 1,614,136 alleles (0.0058%); highest among the groups gnomAD compares: East Asian, 0.049%; no homozygotes.

Submissions (3):

Ambry Genetics
Classification: Uncertain significance for Inborn genetic diseases. Last evaluated: 2025-05-28. Review status: criteria provided, single submitter. Criteria: Ambry Variant Classification Scheme 2023. Collection method: clinical testing. Allele origin: germline.

Blueprint Genetics
Classification: Uncertain significance. Last evaluated: 2024-02-14. Review status: criteria provided, single submitter. Criteria: ACMG Guidelines, 2015. Collection method: clinical testing. Allele origin: germline.

Labcorp Genetics (formerly Invitae), Labcorp
Classification: Uncertain significance for Primary ciliary dyskinesia. Last evaluated: 2021-09-02. Review status: criteria provided, single submitter. Criteria: Invitae Variant Classification Sherloc (09022015). Collection method: clinical testing. Allele origin: germline.
Comment: This sequence change replaces proline with leucine at codon 225 of the RSPH1 protein (p.Pro225Leu). The proline residue is weakly conserved and there is a moderate physicochemical difference between proline and leucine. This variant is present in population databases (rs201100138, ExAC 0.03%). This variant has not been reported in the literature in individuals affected with RSPH1-related conditions. Algorithms developed to predict the effect of missense changes on protein structure and function (SIFT, PolyPhen-2, Align-GVGD) all suggest that this variant is likely to be tolerated. In summary, the available evidence is currently insufficient to determine the role of this variant in disease. Therefore, it has been classified as a Variant of Uncertain Significance.